The following is an entry in ClinVar:

ClinVar aggregate classification (germline): Likely benign (1 of 4 stars; one submission).

gnomAD v4.1: 534 of 1,216,454 alleles (0.044%); highest among the groups gnomAD compares: African/African-American, 0.79%; 9 homozygotes.

Submission:

CeGaT Center for Human Genetics Tuebingen
Classification: Likely benign. Last evaluated: 2026-03-01. Review status: criteria provided, single submitter. Criteria: CeGaT Center For Human Genetics Tuebingen Variant Classification Criteria Version 2. Collection method: clinical testing. Allele origin: germline. Affected: yes. Observed: 1 variant allele.
Comment: NOMO1: BP4, BP7

NM_014287.4(NOMO1):c.504C>A (p.Gly168=)

Gene: NOMO1 (NODAL modulator 1). Cytogenetic location: 16p13.11.
Variant type: single nucleotide variant.
Coding change: c.504C>A on transcript NM_014287.4 (MANE Select); coding-DNA position 504, C replaced by A.
Protein change: p.Gly168=; no amino-acid change (glycine 168 retained).
Molecular consequence: synonymous variant.
Genome position (GRCh38, 1-based): chr16:14,846,678, C>A. VCF-style: chr16-14846678-C-A. GRCh37 (hg19) VCF-style: chr16-14940535-C-A.
Identifiers: ClinVar variation 4821626 (VCV004821626.4).